The following is an entry in ClinVar:

ClinVar aggregate classification (germline): Uncertain significance (1 of 4 stars; one submission).

gnomAD v4.1: 11 of 1,558,272 alleles (0.00071%); highest among the groups gnomAD compares: Non-Finnish European, 0.00086%; no homozygotes.

Submission:

Quest Diagnostics Nichols Institute San Juan Capistrano
Classification: Uncertain significance. Last evaluated: 2024-07-26. Review status: criteria provided, single submitter. Criteria: Quest Diagnostics criteria. Collection method: clinical testing. Allele origin: unknown.
Comment: The RECQL c.502-6T>C variant has not been reported in individuals with RECQL-related conditions in the published literature. The frequency of this variant in the general population, 0.000013 (2/152184 chromosomes (Genome Aggregation Database)), is uninformative in the assessment of its pathogenicity. Analysis of this variant using software algorithms for the prediction of the effect of nucleotide changes on splicing yielded predictions that this variant does not affect RECQL mRNA splicing. Based on the available information, we are unable to determine the clinical significance of this variant.

NM_002907.4(RECQL):c.502-6T>C

Gene: RECQL (RecQ like helicase; minus strand). Cytogenetic location: 12p12.1.
Variant type: single nucleotide variant.
Coding change: c.502-6T>C on transcript NM_002907.4 (MANE Select); 6 bases into the intron before coding-DNA position 502, T replaced by C.
Molecular consequence: intron variant.
Genome position (GRCh38, 1-based): chr12:21,483,580, A>G on the plus strand (T>C on the coding strand, the complement: RECQL is on the minus strand). VCF-style: chr12-21483580-A-G. GRCh37 (hg19) VCF-style: chr12-21636514-A-G.
Other names: c.502-6T>C (NM_032941.3).
Identifiers: ClinVar variation 3572226 (VCV003572226.1).